The following is an entry in ClinVar:

ClinVar aggregate classification (germline): Uncertain significance (1 of 4 stars; one submission).

Conditions:
Inborn genetic diseases. Identifiers: MedGen C0950123, MeSH D030342.

Submission:

Ambry Genetics
Classification: Uncertain significance for Inborn genetic diseases. Last evaluated: 2022-11-21. Review status: criteria provided, single submitter. Criteria: Ambry Variant Classification Scheme 2023. Collection method: clinical testing. Allele origin: germline.
Comment: The c.3663_3665delAAA (p.K1222del) alteration is located in exon 3 (coding exon 2) of the ASH1L gene. This alteration consists of an in-frame deletion of 3 nucleotides between nucleotide positions 3663 and 3665, resulting in the deletion of a lysine (K) at codon 1222. This allele was reported in one heterozygous individual in population-based cohorts in the Genome Aggregation Database (gnomAD). This amino acid position is well conserved in available vertebrate species. Based on insufficient or conflicting evidence, the clinical significance of this alteration remains unclear.

NM_018489.3(ASH1L):c.3663_3665del (p.Lys1222del)

Gene: ASH1L (ASH1 like histone lysine methyltransferase; minus strand). Cytogenetic location: 1q22.
Variant type: Deletion.
Coding change: c.3663_3665del on transcript NM_018489.3 (MANE Select); coding-DNA positions 3663 to 3665, 3 bases deleted (AAA; older notation c.3663_3665delAAA).
Protein change: p.Lys1222del; deletes lysine 1222.
Molecular consequence: inframe deletion.
Genome position (GRCh38, 1-based): chr1:155,479,205-155,479,207, TTT deleted on the plus strand (AAA on the coding strand, the reverse complement: ASH1L is on the minus strand); deleting any 3 consecutive bases within chr1:155,479,205-155,479,211 gives the same sequence; the c. name uses the placement nearest the transcript's 3' end. VCF-style (leftmost placement, unchanged base first): chr1-155479204-CTTT-C. GRCh37 (hg19) VCF-style: chr1-155448995-CTTT-C.
Other names: c.3663_3665del, p.Lys1222del (NM_001366177.2); short protein forms K1222del.
Identifiers: ClinVar variation 2317695 (VCV002317695.2), dbSNP rs1434544426, ClinGen allele CA526669455.